The following is an entry in ClinVar:

ClinVar aggregate classification (germline): Uncertain significance (1 of 4 stars; one submission).

Submission:

Labcorp Genetics (formerly Invitae), Labcorp
Classification: Uncertain significance. Last evaluated: 2022-09-19. Review status: criteria provided, single submitter. Criteria: Invitae Variant Classification Sherloc (09022015). Collection method: clinical testing. Allele origin: germline.
Comment: This sequence change replaces asparagine, which is neutral and polar, with isoleucine, which is neutral and non-polar, at codon 878 of the KIF11 protein (p.Asn878Ile). This variant is not present in population databases (gnomAD no frequency). This variant has not been reported in the literature in individuals affected with KIF11-related conditions. ClinVar contains an entry for this variant (Variation ID: 1495558). Advanced modeling of protein sequence and biophysical properties (such as structural, functional, and spatial information, amino acid conservation, physicochemical variation, residue mobility, and thermodynamic stability) performed at Invitae indicates that this missense variant is not expected to disrupt KIF11 protein function. In summary, the available evidence is currently insufficient to determine the role of this variant in disease. Therefore, it has been classified as a Variant of Uncertain Significance.

NM_004523.4(KIF11):c.2633A>T (p.Asn878Ile)

Gene: KIF11 (kinesin family member 11; plus strand). Cytogenetic location: 10q23.33.
Variant type: single nucleotide variant.
Coding change: c.2633A>T on transcript NM_004523.4 (MANE Select); coding-DNA position 2633, A replaced by T.
Protein change: p.Asn878Ile; replaces asparagine 878 with isoleucine.
Molecular consequence: missense variant.
Genome position (GRCh38, 1-based): chr10:92,648,297, A>T. VCF-style: chr10-92648297-A-T. GRCh37 (hg19) VCF-style: chr10-94408054-A-T.
Other names: short protein forms N878I.
Identifiers: ClinVar variation 1495558 (VCV001495558.8), dbSNP rs1212516432, ClinGen allele CA377805483.